The following is an entry in ClinVar:

ClinVar aggregate classification (germline): Uncertain significance. Review status: criteria provided, multiple submitters, no conflicts (2 of 4 stars). 2 submissions from 2 submitters: Uncertain significance (2). Last evaluated 2024-11-27.

Conditions:
Hereditary cancer-predisposing syndrome. Also called: Tumor predisposition; Neoplastic Syndromes, Hereditary; Hereditary Cancer Syndrome; Hereditary neoplastic syndrome. Identifiers: Orphanet 140162, MedGen C0027672, MeSH D009386, MONDO:0015356.
POLD1-related polyposis and colorectal cancer syndrome (CRCS10). Also called: Colorectal cancer 10; COLORECTAL CANCER, SUSCEPTIBILITY TO, ON CHROMOSOME 19q; Colorectal cancer, susceptibility to, 10. Identifiers: Orphanet 220460, MedGen C2675481, MONDO:0012953, OMIM 612591.

Submissions (2):

Labcorp Genetics (formerly Invitae), Labcorp
Classification: Uncertain significance for POLD1-related polyposis and colorectal cancer syndrome. Last evaluated: 2024-11-27. Review status: criteria provided, single submitter. Criteria: Invitae Variant Classification Sherloc (09022015). Collection method: clinical testing. Allele origin: germline.
Comment: This sequence change replaces alanine, which is neutral and non-polar, with glycine, which is neutral and non-polar, at codon 425 of the POLD1 protein (p.Ala425Gly). This variant is not present in population databases (gnomAD no frequency). This variant has not been reported in the literature in individuals affected with POLD1-related conditions. ClinVar contains an entry for this variant (Variation ID: 537074). Invitae Evidence Modeling of protein sequence and biophysical properties (such as structural, functional, and spatial information, amino acid conservation, physicochemical variation, residue mobility, and thermodynamic stability) indicates that this missense variant is not expected to disrupt POLD1 protein function with a negative predictive value of 80%. In summary, the available evidence is currently insufficient to determine the role of this variant in disease. Therefore, it has been classified as a Variant of Uncertain Significance.

Ambry Genetics
Classification: Uncertain significance for Hereditary cancer-predisposing syndrome. Last evaluated: 2023-08-25. Review status: criteria provided, single submitter. Criteria: Ambry Variant Classification Scheme 2023. Collection method: clinical testing. Allele origin: germline.
Comment: The p.A425G variant (also known as c.1274C>G), located in coding exon 10 of the POLD1 gene, results from a C to G substitution at nucleotide position 1274. The alanine at codon 425 is replaced by glycine, an amino acid with similar properties. This amino acid position is conserved. In addition, this alteration is predicted to be tolerated by in silico analysis. Since supporting evidence is limited at this time, the clinical significance of this alteration remains unclear.

NM_002691.4(POLD1):c.1274C>G (p.Ala425Gly)

Gene: POLD1 (DNA polymerase delta 1, catalytic subunit; plus strand). Cytogenetic location: 19q13.33.
Variant type: single nucleotide variant.
Coding change: c.1274C>G on transcript NM_002691.4 (MANE Select); coding-DNA position 1274, C replaced by G.
Protein change: p.Ala425Gly; replaces alanine 425 with glycine.
Molecular consequence: missense variant. On other transcripts: non-coding transcript variant (1).
Genome position (GRCh38, 1-based): chr19:50,406,213, C>G. VCF-style: chr19-50406213-C-G. GRCh37 (hg19) VCF-style: chr19-50909470-C-G.
Other names: c.1274C>G, p.Ala425Gly (NM_001256849.1, NM_001308632.1); c.1274C>G (NM_002691.2); short protein forms A425G.
Identifiers: ClinVar variation 537074 (VCV000537074.10), dbSNP rs1555791090, ClinGen allele CA406979774.